The following is an entry in ClinVar:

ClinVar aggregate classification (germline): Pathogenic/Likely pathogenic. Review status: criteria provided, multiple submitters, no conflicts (2 of 4 stars). 11 submissions from 11 submitters: Pathogenic (7); Likely pathogenic (4). Last evaluated 2026-01-30.

Conditions:
SLC12A3-related disorder. Also called: SLC12A3-related condition.
Familial hypokalemia-hypomagnesemia (GTLMNS). Also called: HYPOMAGNESEMIA-HYPOKALEMIA, PRIMARY RENOTUBULAR, WITH HYPOCALCIURIA; POTASSIUM AND MAGNESIUM DEPLETION; gitelman syndrome. Identifiers: Orphanet 358, MedGen C0268450, MONDO:0009904, OMIM 263800.

Allele frequency attached by ClinVar (database versions not stated): ExAC 0.00003; gnomAD 0.00003 and 0.00004; gnomAD exomes 0.00003 and 0.00004; TOPMed 0.00003.
gnomAD v4.1: 48 of 1,613,522 alleles (0.003%); highest among the groups gnomAD compares: East Asian, 0.013%; no homozygotes.

Submissions (11):

Natera, Inc.
Classification: Pathogenic for Gitelman syndrome. Last evaluated: 2026-01-30. Review status: criteria provided, single submitter. Criteria: Natera Variant Classification Schema (03/2026). Collection method: clinical testing. Allele origin: germline.
Comment: The c.248G>A variant in SLC12A3 is a missense variant predicted to cause substitution of arginine to glutamine at amino acid 83. This variant is rare in the general population with a frequency below the threshold expected for the associated phenotype(s). This variant has been observed in one or more individuals affected with the associated recessive disease, as either homozygous or compound heterozygous with a second variant (PMID: 20675610, 22009145, 21051746). A different variant at the same position has been determined to be Pathogenic or Likely Pathogenic. Computational prediction algorithms indicate this variant is likely to affect gene or protein function. Given the available evidence, this variant is classified as Pathogenic.

Women's Health and Genetics/Laboratory Corporation of America, LabCorp
Classification: Pathogenic for Familial hypokalemia-hypomagnesemia. Last evaluated: 2026-01-12. Review status: criteria provided, single submitter. Criteria: LabCorp Variant Classification Summary - May 2015. Collection method: clinical testing. Allele origin: germline.
Comment: Variant summary: SLC12A3 c.248G>A (p.Arg83Gln) results in a conservative amino acid change in the encoded protein sequence. Algorithms developed to predict the effect of missense changes on protein structure and function are either unavailable or do not agree on the potential impact of this missense change. The variant allele was found at a frequency of 3.6e-05 in 250620 control chromosomes. c.248G>A has been observed in multiple individuals affected with Gitelman syndrome (Fujimura_2019,Yan_2021, Zhang_2021). These data indicate that the variant is very likely to be associated with disease. The following publications have been ascertained in the context of this evaluation (PMID: 30596175, 34389731, 33996672). ClinVar contains an entry for this variant (Variation ID: 632258). Based on the evidence outlined above, the variant was classified as pathogenic.

Labcorp Genetics (formerly Invitae), Labcorp
Classification: Pathogenic. Last evaluated: 2025-12-31. Review status: criteria provided, single submitter. Criteria: Invitae Variant Classification Sherloc (09022015). Collection method: clinical testing. Allele origin: germline.
Comment: This sequence change replaces arginine, which is basic and polar, with glutamine, which is neutral and polar, at codon 83 of the SLC12A3 protein (p.Arg83Gln). This variant is present in population databases (rs768527231, gnomAD 0.03%). This missense change has been observed in individuals with Gitelman syndrome (PMID: 20675610, 21051746, 21415153, 30596175). ClinVar contains an entry for this variant (Variation ID: 632258). Invitae Evidence Modeling of protein sequence and biophysical properties (such as structural, functional, and spatial information, amino acid conservation, physicochemical variation, residue mobility, and thermodynamic stability) indicates that this missense variant is expected to disrupt SLC12A3 protein function with a positive predictive value of 95%. This variant disrupts the p.Arg83 amino acid residue in SLC12A3. Other variant(s) that disrupt this residue have been determined to be pathogenic (PMID: 21415153, 27582097). This suggests that this residue is clinically significant, and that variants that disrupt this residue are likely to be disease-causing. For these reasons, this variant has been classified as Pathogenic.

Dubai Health Genomic Medicine Center, Dubai Health
Classification: Likely pathogenic for Gitelman syndrome. Last evaluated: 2024-10-04. Review status: criteria provided, single submitter. Criteria: ACMG Guidelines, 2015. Collection method: research. Allele origin: germline. Affected: yes.
Comment: PM3,PM5,PM2,PP3

3billion
Classification: Pathogenic for Familial hypokalemia-hypomagnesemia. Last evaluated: 2023-11-28. Review status: criteria provided, single submitter. Criteria: ACMG Guidelines, 2015. Collection method: clinical testing. Allele origin: germline. Affected: yes.
Comment: The variant is observed at an extremely low frequency in the gnomAD v2.1.1 dataset (total allele frequency: 0.004%). Predicted Consequence/Location: Missense variant In silico tool predictions suggest damaging effect of the variant on gene or gene product [REVEL: 0.87 (>=0.6, sensitivity 0.68 and specificity 0.92); 3Cnet: 0.97 (>=0.6, sensitivity 0.72 and precision 0.9)]. Same nucleotide change resulting in same amino acid change has been previously reported as pathogenic/likely pathogenic with strong evidence (ClinVar ID: VCV000632258). The variant has been reported to be in trans with a pathogenic variant as either compound heterozygous or homozygous in at least one similarly affected unrelated individual (PMID: 34046503). A different missense change at the same codon (p.Arg83Trp) has been reported as pathogenic/likely pathogenic with strong evidence (ClinVar ID: VCV000319889 /PMID: 21415153). Therefore, this variant is classified as Pathogenic according to the recommendation of ACMG/AMP guideline.

Blueprint Genetics
Classification: Pathogenic for SLC12A3-related disorders. Last evaluated: 2022-11-21. Review status: criteria provided, single submitter. Criteria: ACMG Guidelines, 2015. Collection method: clinical testing. Allele origin: germline. Affected: yes. Observed: 5 variant alleles.

GeneDx
Classification: Likely pathogenic. Last evaluated: 2022-10-09. Review status: criteria provided, single submitter. Criteria: GeneDx Variant Classification Process June 2021. Collection method: clinical testing. Allele origin: germline. Affected: yes.
Comment: In silico analysis supports that this missense variant has a deleterious effect on protein structure/function; This variant is associated with the following publications: (PMID: 30596175, 31672324, 33807568, 34046503, 21051746, 21415153, 28700713, 31398183, 20675610, 33996672)

Victorian Clinical Genetics Services, Murdoch Childrens Research Institute
Classification: Pathogenic for Familial hypokalemia-hypomagnesemia. Last evaluated: 2022-02-02. Review status: criteria provided, single submitter. Criteria: ACMG Guidelines, 2015. Collection method: clinical testing. Allele origin: germline. Inheritance: Autosomal recessive inheritance. Affected: yes.
Comment: Based on the classification scheme VCGS_Germline_v1.3.4, this variant is classified as Pathogenic. Following criteria are met: 0102 - Loss of function is a known mechanism of disease in this gene and is associated with Gitelman syndrome (MIM#263800). (I) 0106 - This gene is associated with autosomal recessive disease. (I) 0200 - Variant is predicted to result in a missense amino acid change from arginine to glutamine. (I) 0251 - This variant is heterozygous. (I) 0304 - Variant is present in gnomAD (v2) <0.01 for a recessive condition (12 heterozygotes, 0 homozygotes). (SP) 0309 - An alternative amino acid change at the same position has been observed in gnomAD (v2) (8 heterozygotes, 0 homozygotes). (I) 0501 - Missense variant consistently predicted to be damaging by multiple in silico tools or highly conserved with a major amino acid change. (SP) 0600 - Variant is located in the annotated amino acid permease N-terminal domain (DECIPHER). (I) 0703 - Another missense variant comparable to the one identified in this case has moderate previous evidence for pathogenicity. This alternative change (p.(Arg83Trp)) has been reported as likely pathogenic and pathogenic, and observed in multiple individuals with Gitelman syndrome (ClinVar, PMID: 30596175). (SP) 0801 - This variant has strong previous evidence of pathogenicity in unrelated individuals. This variant has been reported as likely pathogenic, and reported in many compound heterozygous individuals with Gitelman syndrome (ClinVar, PMID: 30596175, PMID: 34046503, PMID: 31398183). (I) Legend: (SP) - Supporting pathogenic, (I) - Information, (SB) - Supporting benign

Johns Hopkins Genomics, Johns Hopkins University
Classification: Likely pathogenic for Familial hypokalemia-hypomagnesemia. Last evaluated: 2021-12-01. Review status: criteria provided, single submitter. Criteria: ACMG Guidelines, 2015. Collection method: clinical testing. Allele origin: germline.
Comment: SLC12A3 c.248G>A has been identified in multiple individuals with Gitelman syndrome. This variant (rs768527231) is rare (<0.1%) in a large population dataset (gnomAD: 12/282016 total alleles; 0.0043%; no homozygotes) and has been reported in ClinVar (Variation ID: 632258). Three bioinformatic tools queried predict that this substitution would be damaging and the arginine residue at this position is evolutionarily conserved across all species assessed. We consider SLC12A3 c.248G>A to be likely pathogenic.

Illumina Laboratory Services, Illumina
Classification: Likely pathogenic for Familial hypokalemia-hypomagnesemia. Last evaluated: 2018-09-17. Review status: criteria provided, single submitter. Criteria: ICSL Variant Classification Criteria 09 May 2019. Collection method: clinical testing. Allele origin: germline.
Comment: The SLC12A3 c.248G>A (p.Arg83Gln) variant has been reported in three studies and found in a total of three individuals with Gitelman syndrome, all in a compound heterozygous state (Vargas-Poussou et al. 2011, Lo et al. 2011, Syren et al. 2011). The p.Arg83Gln variant was absent from 200 control chromosomes and is reported at a frequency of 0.00003 in the total population of the Exome Aggregation Consortium (Vargas-Poussou et al. 2011). Based on the evidence, the p.Arg83Gln variant is classified as likely pathogenic for Gitelman syndrome. This variant was observed by ICSL as part of a predisposition screen in an ostensibly healthy population.

Juno Genomics, Hangzhou Juno Genomics, Inc
Classification: Pathogenic for Familial hypokalemia-hypomagnesemia. Review status: criteria provided, single submitter. Criteria: ACMG Guidelines, 2015. Collection method: clinical testing. Allele origin: germline. Affected: yes.
Comment: Absent from controls (or at extremely low frequency if recessive) in Genome Aggregation Database, Exome Sequencing Project, 1000 Genomes Project, or Exome Aggregation Consortium.;Novel missense change at an amino acid residue where a different missense change determined to be pathogenic has been seen before.;Multiple lines of computational evidence support a deleterious effect on the gene or gene product (conservation, evolutionary, splicing impact, etc).;For recessive disorders, detected in trans with a pathogenic variant.;Patient's phenotype or family history is highly specific for a disease with a single genetic etiology.

Literature cited by the submitters: PubMed 20675610 (cited by 3 submitters); PubMed 22009145 (cited by Natera, Inc.); PubMed 21051746 (cited by 3 submitters); PubMed 30596175 (cited by 3 submitters); PubMed 33996672 (cited by Women's Health and Genetics/Laboratory Corporation of America, LabCorp); PubMed 34389731 (cited by Women's Health and Genetics/Laboratory Corporation of America, LabCorp); PubMed 21415153 (cited by 4 submitters); PubMed 27582097 (cited by Labcorp Genetics (formerly Invitae), Labcorp); PubMed 34046503 (cited by 3 submitters); PubMed 31398183 (cited by Victorian Clinical Genetics Services, Murdoch Childrens Research Institute and Johns Hopkins Genomics, Johns Hopkins University); PubMed 22679066 (cited by Johns Hopkins Genomics, Johns Hopkins University); PubMed 33807568 (cited by Johns Hopkins Genomics, Johns Hopkins University).

NM_001126108.2(SLC12A3):c.248G>A (p.Arg83Gln)

Gene: SLC12A3 (solute carrier family 12 member 3; plus strand). Cytogenetic location: 16q13.
Variant type: single nucleotide variant.
Coding change: c.248G>A on transcript NM_001126108.2 (MANE Select); coding-DNA position 248, G replaced by A.
Protein change: p.Arg83Gln; replaces arginine 83 with glutamine.
Molecular consequence: missense variant.
Genome position (GRCh38, 1-based): chr16:56,865,483, G>A. VCF-style: chr16-56865483-G-A. GRCh37 (hg19) VCF-style: chr16-56899395-G-A.
Other names: c.248G>A, p.Arg83Gln (NM_000339.3, NM_001126107.2); c.248G>A (NM_001126108.1); short protein forms R83Q.
Identifiers: ClinVar variation 632258 (VCV000632258.22), dbSNP rs768527231, ClinGen allele CA8068942.